The following is an entry in ClinVar:

ClinVar aggregate classification (germline): Uncertain significance (1 of 4 stars; one submission).

Conditions:
Cardiovascular phenotype. Identifiers: MedGen CN230736.

Allele frequency attached by ClinVar (database versions not stated): gnomAD exomes below 0.00001.
gnomAD v4.1: 3 of 1,612,560 alleles (0.00019%); highest among the groups gnomAD compares: East Asian, 0.0022%; no homozygotes.

Submission:

Ambry Genetics
Classification: Uncertain significance for Cardiovascular phenotype. Last evaluated: 2023-07-14. Review status: criteria provided, single submitter. Criteria: Ambry Variant Classification Scheme 2023. Collection method: clinical testing. Allele origin: germline.
Comment: The p.R181H variant (also known as c.542G>A), located in coding exon 3 of the KCNQ1 gene, results from a G to A substitution at nucleotide position 542. The arginine at codon 181 is replaced by histidine, an amino acid with highly similar properties. This alteration has been reported in a long QT syndrome cohort (Millat G et al. Clin Genet, 2006 Sep;70:214-27). This amino acid position is highly conserved in available vertebrate species. In addition, this alteration is predicted to be deleterious by in silico analysis. Since supporting evidence is limited at this time, the clinical significance of this alteration remains unclear.

Literature cited by the submitters: PubMed 16922724.

NM_000218.3(KCNQ1):c.542G>A (p.Arg181His)

Gene: KCNQ1 (potassium voltage-gated channel subfamily Q member 1; plus strand). Cytogenetic location: 11p15.5.
Variant type: single nucleotide variant.
Coding change: c.542G>A on transcript NM_000218.3 (MANE Select); coding-DNA position 542, G replaced by A.
Protein change: p.Arg181His; replaces arginine 181 with histidine.
Molecular consequence: missense variant. On other transcripts: intron variant (1).
Genome position (GRCh38, 1-based): chr11:2,570,692, G>A. VCF-style: chr11-2570692-G-A. GRCh37 (hg19) VCF-style: chr11-2591922-G-A.
Other names: c.542G>A, p.Arg181His (NM_001406836.1); c.272G>A, p.Arg91His (NM_001406837.1); c.161G>A, p.Arg54His (NM_181798.2); c.478-12743G>A (NM_001406838.1); short protein forms R91H, R181H, R54H.
Identifiers: ClinVar variation 2587402 (VCV002587402.2), dbSNP rs1848319483, ClinGen allele CA379129911.
Genomic context (GRCh38, chr11:2,570,692, plus strand): 5'-TCGTGCTGGTGGTGTTCTTCGGGACGGAGTACGTGGTCCGCCTCTGGTCCGCCGGCTGCC[G>A]CAGCAAGTACGTGGGCCTCTGGGGGCGGCTGCGCTTTGCCCGGAAGCCCATTTCCATCAT-3'
Protein context (NP_000209.2, residues 171-191): YVVRLWSAGC[Arg181His]SKYVGLWGRL